The following is an entry in ClinVar:

ClinVar aggregate classification (germline): Uncertain significance (1 of 4 stars; one submission).

Submission:

Labcorp Genetics (formerly Invitae), Labcorp
Classification: Uncertain significance. Last evaluated: 2022-07-25. Review status: criteria provided, single submitter. Criteria: Invitae Variant Classification Sherloc (09022015). Collection method: clinical testing. Allele origin: germline.
Comment: This sequence change replaces arginine, which is basic and polar, with leucine, which is neutral and non-polar, at codon 572 of the GRM6 protein (p.Arg572Leu). In summary, the available evidence is currently insufficient to determine the role of this variant in disease. Therefore, it has been classified as a Variant of Uncertain Significance. Advanced modeling of protein sequence and biophysical properties (such as structural, functional, and spatial information, amino acid conservation, physicochemical variation, residue mobility, and thermodynamic stability) performed at Invitae indicates that this missense variant is not expected to disrupt GRM6 protein function. This variant has not been reported in the literature in individuals affected with GRM6-related conditions. This variant is not present in population databases (gnomAD no frequency).

NM_000843.4(GRM6):c.1715G>T (p.Arg572Leu)

Genes: GRM6 (glutamate metabotropic receptor 6; minus strand), ZNF454 (zinc finger protein 454; plus strand). Cytogenetic location: 5q35.3.
Variant type: single nucleotide variant.
Coding change: c.1715G>T on transcript NM_000843.4 (MANE Select); coding-DNA position 1715, G replaced by T.
Protein change: p.Arg572Leu; replaces arginine 572 with leucine.
Molecular consequence: missense variant.
Genome position (GRCh38, 1-based): chr5:178,986,539, C>A on the plus strand (G>T on the coding strand, the complement: GRM6 is on the minus strand). VCF-style: chr5-178986539-C-A. GRCh37 (hg19) VCF-style: chr5-178413540-C-A.
Other names: short protein forms R572L.
Identifiers: ClinVar variation 1713730 (VCV001713730.5), dbSNP rs921855440, ClinGen allele CA362427488.